The following is an entry in ClinVar:

ClinVar aggregate classification (germline): Likely benign (1 of 4 stars; one submission).

Conditions:
Congenital brain dysgenesis due to glutamine synthetase deficiency (GLND). Also called: GLUTAMINE SYNTHASE DEFICIENCY, CONGENITAL SYSTEMIC. Identifiers: Orphanet 71278, MedGen C1864910, MONDO:0012393, OMIM 610015.

Allele frequency attached by ClinVar (database versions not stated): gnomAD 0.03031 and 0.03236; 1000 Genomes Project 30x 0.03560; 1000 Genomes Project 0.03335; TOPMed 0.03419.

Submission:

Illumina Laboratory Services, Illumina
Classification: Likely benign for Congenital brain dysgenesis due to glutamine synthetase deficiency. Last evaluated: 2017-04-27. Review status: criteria provided, single submitter. Criteria: ICSL Variant Classification Criteria 13 December 2019. Collection method: clinical testing. Allele origin: germline.
Comment: This variant was observed as part of a predisposition screen in an ostensibly healthy population. A literature search was performed for the gene, cDNA change, and amino acid change (where applicable). No publications were found based on this search. Allele frequency data from public databases allowed determination this variant is unlikely to cause disease. Therefore, this variant is classified as likely benign.

NM_001033044.4(GLUL):c.*2021G>T

Gene: GLUL (glutamate-ammonia ligase; minus strand). Cytogenetic location: 1q25.3.
Variant type: single nucleotide variant.
Coding change: c.*2021G>T on transcript NM_001033044.4 (MANE Select); 2021 bases downstream of the stop codon, G replaced by T.
Molecular consequence: 3 prime UTR variant.
Genome position (GRCh38, 1-based): chr1:182,382,384, C>A on the plus strand (G>T on the coding strand, the complement: GLUL is on the minus strand). VCF-style: chr1-182382384-C-A. GRCh37 (hg19) VCF-style: chr1-182351519-C-A.
Other names: c.*2021G>T (NM_001033056.4, NM_002065.7).
Identifiers: ClinVar variation 293896 (VCV000293896.5), dbSNP rs16858921, ClinGen allele CA10608338.
Genomic context (GRCh38, chr1:182,382,384, plus strand): 5'-ATAAGAGCAAGGGGCAAGGGCACAGGTGACAACACAGAGCTTTTGAGAATCACAATCGGT[C>A]CACTGGTCTTCCTGCAAGGCAAGATACACCCAAGGATGAGCCCATGCCTAGGGCATAGCC-3'